The following is an entry in ClinVar:

ClinVar aggregate classification (germline): Uncertain significance. Review status: criteria provided, multiple submitters, no conflicts (2 of 4 stars). 3 submissions from 3 submitters: Uncertain significance (2). 1 of the submissions does not count toward it. Last evaluated 2024-01-24.

Conditions:
INTS1-related disorder. Also called: INTS1-related condition.
Inborn genetic diseases. Identifiers: MedGen C0950123, MeSH D030342.

Allele frequency attached by ClinVar (database versions not stated): TOPMed 0.00041; gnomAD exomes 0.00002; 1000 Genomes Project 30x 0.00016; gnomAD 0.00027.
gnomAD v4.1: 59 of 1,612,162 alleles (0.0037%); highest among the groups gnomAD compares: Admixed American, 0.078%; 3 homozygotes.

Submissions (3):

Ambry Genetics
Classification: Uncertain significance for Inborn genetic diseases. Last evaluated: 2024-01-24. Review status: criteria provided, single submitter. Criteria: Ambry Variant Classification Scheme 2023. Collection method: clinical testing. Allele origin: germline.

GeneDx
Classification: Uncertain significance. Last evaluated: 2023-10-27. Review status: criteria provided, single submitter. Criteria: GeneDx Variant Classification Process June 2021. Collection method: clinical testing. Allele origin: germline.
Comment: Not observed at significant frequency in large population cohorts (gnomAD); In silico analysis supports that this missense variant does not alter protein structure/function; Has not been previously published as pathogenic or benign to our knowledge

PreventionGenetics, part of Exact Sciences
Classification: Uncertain significance for INTS1-related condition. Last evaluated: 2024-01-23. Review status: no assertion criteria provided. Collection method: clinical testing. Allele origin: germline. Not counted in ClinVar's aggregate classification.
Comment: The INTS1 c.4808G>A variant is predicted to result in the amino acid substitution p.Gly1603Asp. To our knowledge, this variant has not been reported in the literature. This variant is reported in two alleles out of ~243,000 alleles in the gnomAD database. At this time, the clinical significance of this variant is uncertain due to the absence of conclusive functional and genetic evidence.

NM_001080453.3(INTS1):c.4808G>A (p.Gly1603Asp)

Gene: INTS1 (integrator complex subunit 1; minus strand). Cytogenetic location: 7p22.3.
Variant type: single nucleotide variant.
Coding change: c.4808G>A on transcript NM_001080453.3 (MANE Select); coding-DNA position 4808, G replaced by A.
Protein change: p.Gly1603Asp; replaces glycine 1603 with aspartic acid.
Molecular consequence: missense variant.
Genome position (GRCh38, 1-based): chr7:1,477,759, C>T on the plus strand (G>A on the coding strand, the complement: INTS1 is on the minus strand). VCF-style: chr7-1477759-C-T. GRCh37 (hg19) VCF-style: chr7-1517395-C-T.
Other names: c.1325G>A, p.Gly442Asp (NM_015674.1); short protein forms G1603D, G442D.
Identifiers: ClinVar variation 1810600 (VCV001810600.7), dbSNP rs1001924549, ClinGen allele CA152521748.